The following is an entry in ClinVar:

NM_003482.4(KMT2D):c.5356C>T (p.Arg1786Cys)

Gene: KMT2D (lysine methyltransferase 2D; minus strand). Cytogenetic location: 12q13.12.
Variant type: single nucleotide variant.
Coding change: c.5356C>T on transcript NM_003482.4 (MANE Select); coding-DNA position 5356, C replaced by T.
Protein change: p.Arg1786Cys; replaces arginine 1786 with cysteine.
Molecular consequence: missense variant.
Genome position (GRCh38, 1-based): chr12:49,043,746, G>A on the plus strand (C>T on the coding strand, the complement: KMT2D is on the minus strand). VCF-style: chr12-49043746-G-A. GRCh37 (hg19) VCF-style: chr12-49437529-G-A.
Other names: short protein forms R1786C.
Identifiers: ClinVar variation 4746422 (VCV004746422.1).

ClinVar aggregate classification (germline): Uncertain significance (1 of 4 stars; one submission).

Conditions:
Kabuki syndrome. Also called: NIIKAWA-KUROKI SYNDROME; Kabuki make-up syndrome. Identifiers: Orphanet 2322, MedGen C0796004, MONDO:0016512.

gnomAD v4.1: 21 of 1,613,460 alleles (0.0013%); highest among the groups gnomAD compares: Non-Finnish European, 0.0014%; no homozygotes.

Submission:

Labcorp Genetics (formerly Invitae), Labcorp
Classification: Uncertain significance for Kabuki syndrome. Last evaluated: 2025-04-22. Review status: criteria provided, single submitter. Criteria: Invitae Variant Classification Sherloc (09022015). Collection method: clinical testing. Allele origin: germline.
Comment: This sequence change replaces arginine, which is basic and polar, with cysteine, which is neutral and slightly polar, at codon 1786 of the KMT2D protein (p.Arg1786Cys). This variant is present in population databases (rs748874305, gnomAD 0.002%). This variant has not been reported in the literature in individuals affected with KMT2D-related conditions. Invitae Evidence Modeling of protein sequence and biophysical properties (such as structural, functional, and spatial information, amino acid conservation, physicochemical variation, residue mobility, and thermodynamic stability) has been performed for this missense variant. However, the output from this modeling did not meet the statistical confidence thresholds required to predict the impact of this variant on KMT2D protein function. In summary, the available evidence is currently insufficient to determine the role of this variant in disease. Therefore, it has been classified as a Variant of Uncertain Significance.